The following is an entry in ClinVar:

NM_025225.3(PNPLA3):c.862G>A (p.Glu288Lys)

Gene: PNPLA3 (patatin like domain 3, 1-acylglycerol-3-phosphate O-acyltransferase; plus strand). Cytogenetic location: 22q13.31.
Variant type: single nucleotide variant.
Coding change: c.862G>A on transcript NM_025225.3 (MANE Select); coding-DNA position 862, G replaced by A.
Protein change: p.Glu288Lys; replaces glutamic acid 288 with lysine.
Molecular consequence: missense variant.
Genome position (GRCh38, 1-based): chr22:43,937,155, G>A. VCF-style: chr22-43937155-G-A. GRCh37 (hg19) VCF-style: chr22-44333035-G-A.
Other names: short protein forms E288K.
Identifiers: ClinVar variation 900760 (VCV000900760.4), dbSNP rs778267335, ClinGen allele CA10278093.

ClinVar aggregate classification (germline): Likely benign (1 of 4 stars; one submission).

Conditions:
NAFLD1 (FLD1). Also called: Fatty liver disease, nonalcoholic 1; FATTY LIVER DISEASE, SUSCEPTIBILITY TO, 1. Identifiers: MedGen C2750440, MONDO:0021105, OMIM 613282.

Allele frequency attached by ClinVar (database versions not stated): TOPMed 0.00036.
gnomAD v4.1: 254 of 1,614,078 alleles (0.016%); highest among the groups gnomAD compares: Admixed American, 0.41%; 1 homozygote.

Submission:

Illumina Laboratory Services, Illumina
Classification: Likely benign for NAFLD1. Last evaluated: 2017-04-28. Review status: criteria provided, single submitter. Criteria: ICSL Variant Classification Criteria 13 December 2019. Collection method: clinical testing. Allele origin: germline.
Comment: This variant was observed as part of a predisposition screen in an ostensibly healthy population. A literature search was performed for the gene, cDNA change, and amino acid change (where applicable). Publications were found based on this search. The evidence from the literature, in combination with allele frequency data from public databases where available, was sufficient to determine this variant is unlikely to cause disease. Therefore, this variant is classified as likely benign.

Literature cited by the submitters: PubMed 18820647.